The following is an entry in ClinVar:

ClinVar aggregate classification (germline): Uncertain significance (1 of 4 stars; one submission).

Submission:

Women's Health and Genetics/Laboratory Corporation of America, LabCorp
Classification: Uncertain significance. Last evaluated: 2024-01-11. Review status: criteria provided, single submitter. Criteria: LabCorp Variant Classification Summary - May 2015. Collection method: clinical testing. Allele origin: germline.
Comment: Variant summary: TCF20 c.1655C>T (p.Ala552Val) results in a non-conservative amino acid change in the encoded protein sequence. Four of five in-silico tools predict a benign effect of the variant on protein function. The variant was absent in 251342 control chromosomes. The available data on variant occurrences in the general population are insufficient to allow any conclusion about variant significance. To our knowledge, no occurrence of c.1655C>T in individuals affected with Developmental Delay With Variable Intellectual Impairment And Behavioral Abnormalities and no experimental evidence demonstrating its impact on protein function have been reported. No submitters have cited clinical-significance assessments for this variant to ClinVar. Based on the evidence outlined above, the variant was classified as uncertain significance.

NM_001378418.1(TCF20):c.1655C>T (p.Ala552Val)

Gene: TCF20 (transcription factor 20; minus strand). Cytogenetic location: 22q13.2.
Variant type: single nucleotide variant.
Coding change: c.1655C>T on transcript NM_001378418.1 (MANE Select); coding-DNA position 1655, C replaced by T.
Protein change: p.Ala552Val; replaces alanine 552 with valine.
Molecular consequence: missense variant.
Genome position (GRCh38, 1-based): chr22:42,213,651, G>A on the plus strand (C>T on the coding strand, the complement: TCF20 is on the minus strand). VCF-style: chr22-42213651-G-A. GRCh37 (hg19) VCF-style: chr22-42609657-G-A.
Other names: c.1655C>T, p.Ala552Val (NM_005650.4, NM_181492.3); short protein forms A552V.
Identifiers: ClinVar variation 3063852 (VCV003063852.1), dbSNP rs2518234291, ClinGen allele CA411790342.